The following is an entry in ClinVar:

ClinVar aggregate classification (germline): Uncertain significance (1 of 4 stars; one submission).

Conditions:
Developmental and epileptic encephalopathy, 12 (DEE12). Identifiers: MedGen C3150988, MONDO:0013389, OMIM 613722.

Submission:

Labcorp Genetics (formerly Invitae), Labcorp
Classification: Uncertain significance for Developmental and epileptic encephalopathy, 12. Last evaluated: 2022-07-27. Review status: criteria provided, single submitter. Criteria: Invitae Variant Classification Sherloc (09022015). Collection method: clinical testing. Allele origin: germline.
Comment: Algorithms developed to predict the effect of missense changes on protein structure and function (SIFT, PolyPhen-2, Align-GVGD) all suggest that this variant is likely to be tolerated. In summary, the available evidence is currently insufficient to determine the role of this variant in disease. Therefore, it has been classified as a Variant of Uncertain Significance. This variant has not been reported in the literature in individuals affected with PLCB1-related conditions. This variant is not present in population databases (gnomAD no frequency). This sequence change replaces lysine, which is basic and polar, with arginine, which is basic and polar, at codon 70 of the PLCB1 protein (p.Lys70Arg).

NM_015192.4(PLCB1):c.209A>G (p.Lys70Arg)

Gene: PLCB1 (phospholipase C beta 1; plus strand). Cytogenetic location: 20p12.3.
Variant type: single nucleotide variant.
Coding change: c.209A>G on transcript NM_015192.4 (MANE Select); coding-DNA position 209, A replaced by G.
Protein change: p.Lys70Arg; replaces lysine 70 with arginine.
Molecular consequence: missense variant.
Genome position (GRCh38, 1-based): chr20:8,371,413, A>G. VCF-style: chr20-8371413-A-G. GRCh37 (hg19) VCF-style: chr20-8352060-A-G.
Other names: c.209A>G, p.Lys70Arg (NM_182734.3); short protein forms K70R.
Identifiers: ClinVar variation 1714018 (VCV001714018.6), dbSNP rs2514783889, ClinGen allele CA408262272.